The following is an entry in ClinVar:

NM_024649.5(BBS1):c.1214_1215del (p.Thr405fs)

Genes: BBS1 (Bardet-Biedl syndrome 1; plus strand), ZDHHC24 (zDHHC palmitoyltransferase 24; minus strand). Cytogenetic location: 11q13.2.
Variant type: Deletion.
Coding change: c.1214_1215del on transcript NM_024649.5 (MANE Select); coding-DNA positions 1214 to 1215, 2 bases deleted (CA; older notation c.1214_1215delCA).
Protein change: p.Thr405fs; shifts the reading frame from threonine 405.
Molecular consequence: frameshift variant. On other transcripts: intron variant (1).
Genome position (GRCh38, 1-based): chr11:66,526,682-66,526,683, CA deleted; deleting any 2 consecutive bases within chr11:66,526,681-66,526,683 gives the same sequence; the c. name uses the placement nearest the transcript's 3' end. VCF-style (leftmost placement, unchanged base first): chr11-66526680-TAC-T. GRCh37 (hg19) VCF-style: chr11-66294151-TAC-T.
Other names: c.*21+254_*21+255del (NM_001348571.2); short protein forms T405fs.
Identifiers: ClinVar variation 1724685 (VCV001724685.2), dbSNP rs2495800891, ClinGen allele CA2580084803.

ClinVar aggregate classification (germline): Likely pathogenic (1 of 4 stars; one submission).

Conditions:
Bardet-Biedl syndrome 1 (BBS1). Identifiers: MedGen C2936862, MONDO:0008854, OMIM 209900. Disease mechanism: loss of function.

Submission:

Myriad Genetics, Inc.
Classification: Likely pathogenic for Bardet-Biedl syndrome 1. Last evaluated: 2022-02-25. Review status: criteria provided, single submitter. Criteria: Myriad Women's Health Autosomal Recessive and X-Linked Classification Criteria (2021). Collection method: clinical testing. Allele origin: unknown.
Comment: NM_024649.4(BBS1):c.1214_1215delCA(T405Sfs*9) is expected to be pathogenic in the context of Bardet-Biedl syndrome, BBS1-related. This variant is predicted to lead to an abnormal or absent protein product due to the creation of a premature termination codon in BBS1, a gene where loss-of-function variants are known to be pathogenic. Please note: this variant was assessed in the context of healthy population screening.